The following is an entry in ClinVar:

ClinVar aggregate classification (germline): Uncertain significance (1 of 4 stars; one submission).

Allele frequency attached by ClinVar (database versions not stated): gnomAD 0.00001.
gnomAD v4.1: 1 of 1,614,106 alleles (0.000062%); highest among the groups gnomAD compares: African/African-American, 0.0013%; no homozygotes.

Submission:

Labcorp Genetics (formerly Invitae), Labcorp
Classification: Uncertain significance. Last evaluated: 2022-02-18. Review status: criteria provided, single submitter. Criteria: Invitae Variant Classification Sherloc (09022015). Collection method: clinical testing. Allele origin: germline.
Comment: This sequence change replaces leucine, which is neutral and non-polar, with valine, which is neutral and non-polar, at codon 380 of the WFS1 protein (p.Leu380Val). In summary, the available evidence is currently insufficient to determine the role of this variant in disease. Therefore, it has been classified as a Variant of Uncertain Significance. This variant is not present in population databases (gnomAD no frequency). This variant has not been reported in the literature in individuals affected with WFS1-related conditions. Advanced modeling of protein sequence and biophysical properties (such as structural, functional, and spatial information, amino acid conservation, physicochemical variation, residue mobility, and thermodynamic stability) performed at Invitae indicates that this missense variant is not expected to disrupt WFS1 protein function.

NM_006005.3(WFS1):c.1138C>G (p.Leu380Val)

Gene: WFS1 (wolframin ER transmembrane glycoprotein; plus strand). Cytogenetic location: 4p16.1.
Variant type: single nucleotide variant.
Coding change: c.1138C>G on transcript NM_006005.3 (MANE Select); coding-DNA position 1138, C replaced by G.
Protein change: p.Leu380Val; replaces leucine 380 with valine.
Molecular consequence: missense variant.
Genome position (GRCh38, 1-based): chr4:6,300,933, C>G. VCF-style: chr4-6300933-C-G. GRCh37 (hg19) VCF-style: chr4-6302660-C-G.
Other names: c.1138C>G, p.Leu380Val (NM_001145853.1); short protein forms L380V.
Identifiers: ClinVar variation 2065723 (VCV002065723.4), dbSNP rs1730865807, ClinGen allele CA356174330.